The following is an entry in ClinVar:

NM_182914.3(SYNE2):c.12673C>T (p.Pro4225Ser)

Gene: SYNE2 (spectrin repeat containing nuclear envelope protein 2; plus strand). Cytogenetic location: 14q23.2.
Variant type: single nucleotide variant.
Coding change: c.12673C>T on transcript NM_182914.3 (MANE Select); coding-DNA position 12673, C replaced by T.
Protein change: p.Pro4225Ser; replaces proline 4225 with serine.
Molecular consequence: missense variant.
Genome position (GRCh38, 1-based): chr14:64,113,404, C>T. VCF-style: chr14-64113404-C-T. GRCh37 (hg19) VCF-style: chr14-64580122-C-T.
Other names: c.12673C>T, p.Pro4225Ser (NM_015180.6); short protein forms P4225S.
Identifiers: ClinVar variation 282204 (VCV000282204.49), dbSNP rs149296737, ClinGen allele CA7222235.
Genomic context (GRCh38, chr14:64,113,404, plus strand): 5'-ACCACACCTCCTATTGAGGCTGACACTCTGGACTCTTCTGACGCGCAAGGAGGTTTGGAG[C>T]CCAGGGTGGAGAAAACTAGGCCGGAGCCCACAGAAGTCCTGCATGCCTGCAAGACCCAGG-3'
Protein context (NP_878918.2, residues 4215-4235): DSSDAQGGLE[Pro4225Ser]RVEKTRPEPT

ClinVar aggregate classification (germline): Conflicting classifications of pathogenicity. Review status: criteria provided, conflicting classifications (1 of 4 stars). 10 submissions from 10 submitters: Uncertain significance (3); Benign (2); Likely benign (2). 3 of the submissions do not count toward it. Last evaluated 2026-01-05.

Conditions:
SYNE2-related disorder. Also called: SYNE2-related condition.
Emery-Dreifuss muscular dystrophy 5, autosomal dominant (EDMD5). Also called: EMERY-DREIFUSS MUSCULAR DYSTROPHY 5. Identifiers: Orphanet 261, MedGen C2751805, MONDO:0013072, OMIM 612999.

Allele frequency attached by ClinVar (database versions not stated): ExAC 0.00077; TOPMed 0.00080; gnomAD 0.00082; gnomAD exomes 0.00096; 1000 Genomes Project 0.00100; ESP Exome Variant Server 0.00108; 1000 Genomes Project 30x 0.00109.
gnomAD v4.1: 1,514 of 1,614,132 alleles (0.094%); highest among the groups gnomAD compares: Admixed American, 0.13%; 3 homozygotes.

Submissions (10):

Labcorp Genetics (formerly Invitae), Labcorp
Classification: Likely benign for Emery-Dreifuss muscular dystrophy 5, autosomal dominant. Last evaluated: 2026-01-05. Review status: criteria provided, single submitter. Criteria: Invitae Variant Classification Sherloc (09022015). Collection method: clinical testing. Allele origin: germline.

Athena Diagnostics
Classification: Uncertain significance. Last evaluated: 2025-09-18. Review status: criteria provided, single submitter. Criteria: Athena Diagnostics Criteria. Collection method: clinical testing. Allele origin: unknown.
Comment: Available data are insufficient to determine the clinical significance of the variant at this time. The frequency of this variant in the general population is higher than would generally be expected for pathogenic variants in this gene. Polyphen and MutationTaster predict this amino acid change may be benign.

Blueprint Genetics
Classification: Likely benign. Last evaluated: 2024-10-30. Review status: criteria provided, single submitter. Criteria: ACMG Guidelines, 2015. Collection method: clinical testing. Allele origin: germline.

Ambry Genetics
Classification: Uncertain significance. Last evaluated: 2022-05-26. Review status: criteria provided, single submitter. Criteria: Ambry Variant Classification Scheme 2023. Collection method: clinical testing. Allele origin: germline.

CeGaT Center for Human Genetics Tuebingen
Classification: Benign. Last evaluated: 2022-05-01. Review status: criteria provided, single submitter. Criteria: CeGaT Center For Human Genetics Tuebingen Variant Classification Criteria Version 2. Collection method: clinical testing. Allele origin: germline. Affected: yes. Observed: 1 variant allele.
Comment: SYNE2: BS1, BS2

Illumina Laboratory Services, Illumina
Classification: Benign for Emery-Dreifuss muscular dystrophy 5, autosomal dominant. Last evaluated: 2018-01-13. Review status: criteria provided, single submitter. Criteria: ICSL Variant Classification Criteria 13 December 2019. Collection method: clinical testing. Allele origin: germline.
Comment: This variant was observed in the ICSL laboratory as part of a predisposition screen in an ostensibly healthy population. It had not been previously curated by ICSL or reported in the Human Gene Mutation Database (HGMD: prior to June 1st, 2018), and was therefore a candidate for classification through an automated scoring system. Utilizing variant allele frequency, disease prevalence and penetrance estimates, and inheritance mode, an automated score was calculated to assess if this variant is too frequent to cause the disease. Based on the score and internal cut-off values, a variant classified as benign is not then subjected to further curation. The score for this variant resulted in a classification of benign for this disease.

Eurofins Ntd Llc (ga)
Classification: Uncertain significance. Last evaluated: 2015-07-31. Review status: criteria provided, single submitter. Criteria: EGL Classification Definitions 2015. Collection method: clinical testing. Allele origin: germline. Observed: 5 variant alleles, 5 heterozygotes.

PreventionGenetics, part of Exact Sciences
Classification: Likely benign for SYNE2-related condition. Last evaluated: 2023-07-07. Review status: no assertion criteria provided. Collection method: clinical testing. Allele origin: germline. Not counted in ClinVar's aggregate classification.
Comment: This variant is classified as likely benign based on ACMG/AMP sequence variant interpretation guidelines (Richards et al. 2015 PMID: 25741868, with internal and published modifications).

Genome Diagnostics Laboratory, University Medical Center Utrecht
Classification: Likely benign. Review status: no assertion criteria provided. Collection method: clinical testing. Allele origin: germline. Affected: yes. Study: VKGL Data-share Consensus. Not counted in ClinVar's aggregate classification.

Joint Genome Diagnostic Labs from Nijmegen and Maastricht, Radboudumc and MUMC+
Classification: Likely benign. Review status: no assertion criteria provided. Collection method: clinical testing. Allele origin: germline. Affected: yes. Study: VKGL Data-share Consensus. Not counted in ClinVar's aggregate classification.